The following is an entry in ClinVar:

NM_005732.4(RAD50):c.1884G>C (p.Lys628Asn)

Gene: RAD50 (RAD50 double strand break repair protein; plus strand). Cytogenetic location: 5q31.1.
Variant type: single nucleotide variant.
Coding change: c.1884G>C on transcript NM_005732.4 (MANE Select); coding-DNA position 1884, G replaced by C.
Protein change: p.Lys628Asn; replaces lysine 628 with asparagine.
Molecular consequence: missense variant.
Genome position (GRCh38, 1-based): chr5:132,594,959, G>C. VCF-style: chr5-132594959-G-C. GRCh37 (hg19) VCF-style: chr5-131930651-G-C.
Other names: short protein forms K628N.
Identifiers: ClinVar variation 1781954 (VCV001781954.5), dbSNP rs746192180, ClinGen allele CA127249255.

ClinVar aggregate classification (germline): Uncertain significance. Review status: criteria provided, multiple submitters, no conflicts (2 of 4 stars). 2 submissions from 2 submitters: Uncertain significance (2). Last evaluated 2023-03-12.

Conditions:
Hereditary cancer-predisposing syndrome. Also called: Neoplastic Syndromes, Hereditary; Tumor predisposition; Hereditary Cancer Syndrome; Hereditary neoplastic syndrome. Identifiers: Orphanet 140162, MedGen C0027672, MeSH D009386, MONDO:0015356.

gnomAD v4.1: 4 of 1,611,950 alleles (0.00025%); highest among the groups gnomAD compares: Non-Finnish European, 0.00025%; no homozygotes.

Submissions (2):

Labcorp Genetics (formerly Invitae), Labcorp
Classification: Uncertain significance for Hereditary cancer-predisposing syndrome. Last evaluated: 2023-03-12. Review status: criteria provided, single submitter. Criteria: Invitae Variant Classification Sherloc (09022015). Collection method: clinical testing. Allele origin: germline.
Comment: Advanced modeling of protein sequence and biophysical properties (such as structural, functional, and spatial information, amino acid conservation, physicochemical variation, residue mobility, and thermodynamic stability) performed at Invitae indicates that this missense variant is not expected to disrupt RAD50 protein function. This sequence change replaces lysine, which is basic and polar, with asparagine, which is neutral and polar, at codon 628 of the RAD50 protein (p.Lys628Asn). This variant is not present in population databases (gnomAD no frequency). This variant has not been reported in the literature in individuals affected with RAD50-related conditions. ClinVar contains an entry for this variant (Variation ID: 1781954). In summary, the available evidence is currently insufficient to determine the role of this variant in disease. Therefore, it has been classified as a Variant of Uncertain Significance.

Ambry Genetics
Classification: Uncertain significance for Hereditary cancer-predisposing syndrome. Last evaluated: 2022-10-30. Review status: criteria provided, single submitter. Criteria: Ambry Variant Classification Scheme 2023. Collection method: clinical testing. Allele origin: germline.
Comment: The p.K628N variant (also known as c.1884G>C), located in coding exon 12 of the RAD50 gene, results from a G to C substitution at nucleotide position 1884. The lysine at codon 628 is replaced by asparagine, an amino acid with similar properties. This amino acid position is conserved. In addition, this alteration is predicted to be tolerated by in silico analysis. Since supporting evidence is limited at this time, the clinical significance of this alteration remains unclear.